The following is an entry in ClinVar:

NC_000014.8:g.(?_57270959)_(57274875_?)del

Gene: OTX2 (orthodenticle homeobox 2; minus strand). Cytogenetic location: 14q22.3.
Variant type: Deletion.
Identifiers: ClinVar variation 2427493 (VCV002427493.5).

ClinVar aggregate classification (germline): Pathogenic (1 of 4 stars; one submission).

Conditions:
Anophthalmia-microphthalmia syndrome. Also called: Anophthalmia/Microphthalmia; Anophthalmia - microphthalmia. Identifiers: Orphanet 98555, MedGen C5680330, MONDO:0020147.

Submission:

Labcorp Genetics (formerly Invitae), Labcorp
Classification: Pathogenic for Anophthalmia-microphthalmia syndrome. Last evaluated: 2022-06-17. Review status: criteria provided, single submitter. Criteria: Invitae Variant Classification Sherloc (09022015). Collection method: clinical testing. Allele origin: germline.
Comment: For these reasons, this variant has been classified as Pathogenic. This variant has not been reported in the literature in individuals affected with OTX2-related conditions. This variant results in the deletion of exon 1 and part of exon 2 (c.-2701_196delinsTC) of the OTX2 gene. It is expected to result in an absent or disrupted protein product. Loss-of-function variants in OTX2 are known to be pathogenic (PMID: 15846561, 20486942, 22577225, 24167467).

Literature cited by the submitters: PubMed 15846561; PubMed 20486942; PubMed 22577225; PubMed 24167467.